The following is an entry in ClinVar:

ClinVar aggregate classification (germline): Likely pathogenic (0 of 4 stars; one submission).

Conditions:
Retinitis pigmentosa (RP). Identifiers: Orphanet 791, MedGen C0035334, MeSH D012174, MONDO:0019200, OMIM 268000. Inheritance: Autosomal dominant, autosomal recessive and X linked inheritance.

Submission:

Department of Ophthalmology and Visual Sciences Kyoto University
Classification: Likely pathogenic for Retinitis pigmentosa. Review status: no assertion criteria provided. Collection method: not provided. Allele origin: unknown.
ClinVar note: Converted during submission from probable-pathogenic to Likely pathogenic.

NM_001142800.2(EYS):c.5202_5203del (p.Phe1735fs)

Gene: EYS (EGF-like photoreceptor maintenance factor; minus strand). Cytogenetic location: 6q12.
Variant type: Deletion.
Coding change: c.5202_5203del on transcript NM_001142800.2 (MANE Select); coding-DNA positions 5202 to 5203, 2 bases deleted (GT; older notation c.5202_5203delGT).
Protein change: p.Phe1735fs; shifts the reading frame from phenylalanine 1735.
Molecular consequence: frameshift variant.
Genome position (GRCh38, 1-based): chr6:64,590,664-64,590,665, AC deleted on the plus strand (GT on the coding strand, the reverse complement: EYS is on the minus strand); deleting any 2 consecutive bases within chr6:64,590,664-64,590,666 gives the same sequence; the c. name uses the placement nearest the transcript's 3' end. VCF-style (leftmost placement, unchanged base first): chr6-64590663-AAC-A. GRCh37 (hg19) VCF-style: chr6-65300556-AAC-A.
Other names: c.5202_5203del, p.Phe1735fs (NM_001292009.2); short protein forms F1735fs.
Identifiers: ClinVar variation 143107 (VCV000143107.2), dbSNP rs527236071, ClinGen allele CA270058.